The following is an entry in ClinVar:

NM_006231.4(POLE):c.6299C>G (p.Pro2100Arg)

Gene: POLE (DNA polymerase epsilon, catalytic subunit; minus strand). Cytogenetic location: 12q24.33.
Variant type: single nucleotide variant.
Coding change: c.6299C>G on transcript NM_006231.4 (MANE Select); coding-DNA position 6299, C replaced by G.
Protein change: p.Pro2100Arg; replaces proline 2100 with arginine.
Molecular consequence: missense variant.
Genome position (GRCh38, 1-based): chr12:132,632,346, G>C on the plus strand (C>G on the coding strand, the complement: POLE is on the minus strand). VCF-style: chr12-132632346-G-C. GRCh37 (hg19) VCF-style: chr12-133208932-G-C.
Other names: short protein forms P2100R.
Identifiers: ClinVar variation 405604 (VCV000405604.14), dbSNP rs1060500780, ClinGen allele CA16613767.

ClinVar aggregate classification (germline): Uncertain significance. Review status: criteria provided, multiple submitters, no conflicts (2 of 4 stars). 2 submissions from 2 submitters: Uncertain significance (2). Last evaluated 2025-09-24.

Conditions:
Hereditary cancer-predisposing syndrome. Also called: Hereditary Cancer Syndrome; Hereditary neoplastic syndrome; Neoplastic Syndromes, Hereditary; Tumor predisposition. Identifiers: Orphanet 140162, MedGen C0027672, MeSH D009386, MONDO:0015356.

gnomAD v4.1: 1 of 1,614,188 alleles (0.000062%); no homozygotes.

Submissions (2):

Labcorp Genetics (formerly Invitae), Labcorp
Classification: Uncertain significance. Last evaluated: 2025-09-24. Review status: criteria provided, single submitter. Criteria: Invitae Variant Classification Sherloc (09022015). Collection method: clinical testing. Allele origin: germline.
Comment: This sequence change replaces proline, which is neutral and non-polar, with arginine, which is basic and polar, at codon 2100 of the POLE protein (p.Pro2100Arg). This variant is not present in population databases (gnomAD no frequency). This variant has not been reported in the literature in individuals affected with POLE-related conditions. ClinVar contains an entry for this variant (Variation ID: 405604). Invitae Evidence Modeling of protein sequence and biophysical properties (such as structural, functional, and spatial information, amino acid conservation, physicochemical variation, residue mobility, and thermodynamic stability) indicates that this missense variant is expected to disrupt POLE protein function with a positive predictive value of 80%. In summary, the available evidence is currently insufficient to determine the role of this variant in disease. Therefore, it has been classified as a Variant of Uncertain Significance.

Ambry Genetics
Classification: Uncertain significance for Hereditary cancer-predisposing syndrome. Last evaluated: 2024-04-27. Review status: criteria provided, single submitter. Criteria: Ambry Variant Classification Scheme 2023. Collection method: clinical testing. Allele origin: germline.
Comment: The p.P2100R variant (also known as c.6299C>G), located in coding exon 45 of the POLE gene, results from a C to G substitution at nucleotide position 6299. The proline at codon 2100 is replaced by arginine, an amino acid with dissimilar properties. This amino acid position is conserved. In addition, this alteration is predicted to be deleterious by in silico analysis. Since supporting evidence is limited at this time, the clinical significance of this alteration remains unclear.